The following is an entry in ClinVar:

ClinVar aggregate classification (germline): Uncertain significance (1 of 4 stars; one submission).

Conditions:
Gnathodiaphyseal dysplasia (GDD). Also called: GNATHODIAPHYSEAL SCLEROSIS; OSTEOGENESIS IMPERFECTA WITH UNUSUAL SKELETAL LESIONS. Identifiers: Orphanet 53697, MedGen C1833736, MONDO:0008151, OMIM 166260.
Autosomal recessive limb-girdle muscular dystrophy type 2L (LGMDR12). Also called: Limb-girdle muscular dystrophy, type 2L; MUSCULAR DYSTROPHY, LIMB-GIRDLE, AUTOSOMAL RECESSIVE 12; Limb-Girdle Muscular Dystrophy R12 Anoctamin-5-Related (LGMD-R12). Identifiers: Orphanet 206549, MedGen C1969785, MONDO:0012652, OMIM 611307.

Submission:

Labcorp Genetics (formerly Invitae), Labcorp
Classification: Uncertain significance for Autosomal recessive limb-girdle muscular dystrophy type 2L; Gnathodiaphyseal dysplasia. Last evaluated: 2024-12-17. Review status: criteria provided, single submitter. Criteria: Invitae Variant Classification Sherloc (09022015). Collection method: clinical testing. Allele origin: germline.
Comment: This sequence change replaces glycine, which is neutral and non-polar, with aspartic acid, which is acidic and polar, at codon 2 of the ANO5 protein (p.Gly2Asp). This variant is not present in population databases (gnomAD no frequency). This variant has not been reported in the literature in individuals affected with ANO5-related conditions. Invitae Evidence Modeling of protein sequence and biophysical properties (such as structural, functional, and spatial information, amino acid conservation, physicochemical variation, residue mobility, and thermodynamic stability) indicates that this missense variant is expected to disrupt ANO5 protein function with a positive predictive value of 95%. In summary, the available evidence is currently insufficient to determine the role of this variant in disease. Therefore, it has been classified as a Variant of Uncertain Significance.

NM_213599.3(ANO5):c.5G>A (p.Gly2Asp)

Gene: ANO5 (anoctamin 5; plus strand). Cytogenetic location: 11p14.3.
Variant type: single nucleotide variant.
Coding change: c.5G>A on transcript NM_213599.3 (MANE Select); coding-DNA position 5, G replaced by A.
Protein change: p.Gly2Asp; replaces glycine 2 with aspartic acid.
Molecular consequence: missense variant.
Genome position (GRCh38, 1-based): chr11:22,193,497, G>A. VCF-style: chr11-22193497-G-A. GRCh37 (hg19) VCF-style: chr11-22215043-G-A.
Other names: c.5G>A, p.Gly2Asp (NM_001142649.2, NM_001410963.1, NM_001410964.1); short protein forms G2D.
Identifiers: ClinVar variation 3753724 (VCV003753724.2).